The following is an entry in ClinVar:

ClinVar aggregate classification (germline): Benign/Likely benign. Review status: criteria provided, multiple submitters, no conflicts (2 of 4 stars). 3 submissions from 3 submitters: Benign (1); Likely benign (2). Last evaluated 2026-01-16.

Conditions:
Familial acute necrotizing encephalopathy (IIAE3). Also called: Susceptibility to Acute Necrotizing Encephalopathy 1; ENCEPHALOPATHY, ACUTE, INFECTION-INDUCED, SUSCEPTIBILITY TO, 3. Identifiers: Orphanet 88619, MedGen C2675556, MONDO:0011953, OMIM 608033.

Allele frequency attached by ClinVar (database versions not stated): gnomAD exomes 0.00045 and 0.00110; ExAC 0.00146; gnomAD 0.00458 and 0.00493; TOPMed 0.00511; ESP Exome Variant Server 0.00561; 1000 Genomes Project 0.00579; 1000 Genomes Project 30x 0.00656.
gnomAD v4.1: 1,381 of 1,614,158 alleles (0.086%); highest among the groups gnomAD compares: African/African-American, 1.6%; 9 homozygotes.

Submissions (3):

Labcorp Genetics (formerly Invitae), Labcorp
Classification: Benign for Familial acute necrotizing encephalopathy. Last evaluated: 2026-01-16. Review status: criteria provided, single submitter. Criteria: Invitae Variant Classification Sherloc (09022015). Collection method: clinical testing. Allele origin: germline.

Blueprint Genetics
Classification: Likely benign. Last evaluated: 2024-11-25. Review status: criteria provided, single submitter. Criteria: ACMG Guidelines, 2015. Collection method: clinical testing. Allele origin: germline.

GeneDx
Classification: Likely benign. Last evaluated: 2017-03-27. Review status: criteria provided, single submitter. Criteria: GeneDx Variant Classification (06012015). Collection method: clinical testing. Allele origin: germline. Affected: yes.
Comment: This variant is considered likely benign or benign based on one or more of the following criteria: it is a conservative change, it occurs at a poorly conserved position in the protein, it is predicted to be benign by multiple in silico algorithms, and/or has population frequency not consistent with disease.

NM_006267.5(RANBP2):c.5307G>A (p.Lys1769=)

Gene: RANBP2 (RAN binding protein 2; plus strand). Cytogenetic location: 2q13.
Variant type: single nucleotide variant.
Coding change: c.5307G>A on transcript NM_006267.5 (MANE Select); coding-DNA position 5307, G replaced by A.
Protein change: p.Lys1769=; no amino-acid change (lysine 1769 retained).
Molecular consequence: synonymous variant.
Genome position (GRCh38, 1-based): chr2:108,765,846, G>A. VCF-style: chr2-108765846-G-A. GRCh37 (hg19) VCF-style: chr2-109382302-G-A.
Identifiers: ClinVar variation 469470 (VCV000469470.14), dbSNP rs76221103, ClinGen allele CA1823259.